The following is an entry in ClinVar:

ClinVar aggregate classification (germline): Uncertain significance. Review status: criteria provided, multiple submitters, no conflicts (2 of 4 stars). 2 submissions from 2 submitters: Uncertain significance (2). Last evaluated 2024-04-19.

Conditions:
Hereditary pancreatitis (PCTT). Also called: PRSS1-Related Hereditary Pancreatitis; Hereditary chronic pancreatitis. Identifiers: Orphanet 676, MedGen C0238339, MONDO:0008185, OMIM 167800.

Submissions (2):

Ambry Genetics
Classification: Uncertain significance for Hereditary pancreatitis. Last evaluated: 2024-04-19. Review status: criteria provided, single submitter. Criteria: Ambry Variant Classification Scheme 2023. Collection method: clinical testing. Allele origin: germline.
Comment: The p.S16I variant (also known as c.47G>T), located in coding exon 2 of the CTRC gene, results from a G to T substitution at nucleotide position 47. The serine at codon 16 is replaced by isoleucine, an amino acid with dissimilar properties. This amino acid position is conserved. In addition, the in silico prediction for this alteration is inconclusive. Based on the available evidence, the clinical significance of this variant remains unclear.

Baylor Genetics
Classification: Uncertain significance for Hereditary pancreatitis. Last evaluated: 2023-07-19. Review status: criteria provided, single submitter. Criteria: ACMG Guidelines, 2015. Collection method: clinical testing. Allele origin: unknown.

NM_007272.3(CTRC):c.47G>T (p.Ser16Ile)

Gene: CTRC (chymotrypsin C; plus strand). Cytogenetic location: 1p36.21.
Variant type: single nucleotide variant.
Coding change: c.47G>T on transcript NM_007272.3 (MANE Select); coding-DNA position 47, G replaced by T.
Protein change: p.Ser16Ile; replaces serine 16 with isoleucine.
Molecular consequence: missense variant.
Genome position (GRCh38, 1-based): chr1:15,440,306, G>T. VCF-style: chr1-15440306-G-T. GRCh37 (hg19) VCF-style: chr1-15766802-G-T.
Other names: c.47G>T (NM_007272.2); short protein forms S16I.
Identifiers: ClinVar variation 2681027 (VCV002681027.2), dbSNP rs2526289306, ClinGen allele CA338564368.
Genomic context (GRCh38, chr1:15,440,306, plus strand): 5'-CCCCGTGGGCTACCAGCCCTATTCACTGGTTCTTCTGGCCTCCTGTCTCCCCAGCCTCCA[G>T]CTGTGGGGTGCCCAGCTTCCCGCCCAACCTATCCGCCCGAGTGGTGGGAGGAGAGGATGC-3'
Protein context (NP_009203.2, residues 6-26): VLAALLACAS[Ser16Ile]CGVPSFPPNL